The following is an entry in ClinVar:

ClinVar aggregate classification (germline): Pathogenic (1 of 4 stars; one submission).

Conditions:
Dyskeratosis congenita, autosomal dominant 6 (DKCA6). Identifiers: Orphanet 3322, MedGen C4225284, MONDO:0014690, OMIM 616553.

Submission:

Bertuch Lab, Baylor College of Medicine
Classification: Pathogenic for Dyskeratosis congenita, autosomal dominant 6. Review status: criteria provided, single submitter. Criteria: ACMG Guidelines, 2015. Collection method: clinical testing, in vitro. Allele origin: maternal, unknown, not applicable. Inheritance: Autosomal recessive inheritance. Affected: yes and no. Observed: 1 heterozygote, 1 compound heterozygote. Functional consequence: Decreased function.
Comment: This variant results in in-frame deletion of amino acid E169 in the ACD/TPP1 TEL patch, responsible for recruitment of telomerase to telomeres. Functional studies revealed reduced stimulation of telomerase activity and processivity in vitro.

NM_001082486.2(ACD):c.244GAG[1] (p.Glu83del)

Gene: ACD (ACD shelterin complex subunit and telomerase recruitment factor; minus strand). Cytogenetic location: 16q22.1.
Variant type: Microsatellite.
Coding change: c.244GAG[1] on transcript NM_001082486.2 (MANE Select); one copy of the 3-base unit GAG starting at c.244; the reference has two copies in a row; one copy, 3 bases deleted.
Protein change: p.Glu83del; deletes glutamic acid 83.
Molecular consequence: inframe deletion.
Genome position (GRCh38, 1-based): chr16:67,659,789-67,659,791, CTC deleted on the plus strand (GAG on the coding strand, the reverse complement: ACD is on the minus strand); deleting any 3 consecutive bases within chr16:67,659,789-67,659,795 gives the same sequence; the position shown is the placement nearest the transcript's 3' end. VCF-style (leftmost placement, unchanged base first): chr16-67659788-TCTC-T. GRCh37 (hg19) VCF-style: chr16-67693691-TCTC-T.
Other names: c.235GAG[1], p.Glu80del (NM_022914.3); short protein forms E80del, E83del.
Identifiers: ClinVar variation 992639 (VCV000992639.4), dbSNP rs1277350671, ClinGen allele CA723058283.